The following is an entry in ClinVar:

NM_000138.5(FBN1):c.7700-13G>C

Gene: FBN1 (fibrillin 1; minus strand). Cytogenetic location: 15q21.1.
Variant type: single nucleotide variant.
Coding change: c.7700-13G>C on transcript NM_000138.5 (MANE Select); 13 bases into the intron before coding-DNA position 7700, G replaced by C.
Molecular consequence: intron variant.
Genome position (GRCh38, 1-based): chr15:48,420,819, C>G on the plus strand (G>C on the coding strand, the complement: FBN1 is on the minus strand). VCF-style: chr15-48420819-C-G. GRCh37 (hg19) VCF-style: chr15-48713016-C-G.
Identifiers: ClinVar variation 512424 (VCV000512424.16), dbSNP rs775509707, ClinGen allele CA059041.
Genomic context (GRCh38, chr15:48,420,819, plus strand): 5'-TCTGGCAGCCATGCTGGCAGCGGTGGTTACCCTCACACTCGTCCACGTCTGAAAAAGAAG[C>G]AGAGCCACCATGATGCCAACTCAACATCTCTCTCTGAAGCCAGATGGATTCTAATAAGAA-3'

ClinVar aggregate classification (germline): Likely benign. Review status: criteria provided, multiple submitters, no conflicts (2 of 4 stars). 5 submissions from 5 submitters: Likely benign (5). Last evaluated 2025-11-15.

Conditions:
Familial thoracic aortic aneurysm and aortic dissection (TAAD). Also called: Thoracic aortic aneurysms and dissections. Identifiers: Orphanet 91387, MedGen C4707243, MONDO:0019625.
Marfan syndrome (MFS). Also called: Marfan syndrome type 1; Marfan syndrome, classic; Marfan's syndrome; FBN1-Related Marfan Syndrome; MARFAN SYNDROME, TYPE I. Identifiers: Orphanet 284963, Orphanet 558, MedGen C0024796, MONDO:0007947, OMIM 154700.

Allele frequency attached by ClinVar (database versions not stated): gnomAD 0.00004 and 0.00003; gnomAD exomes 0.00006 and 0.00002; ExAC 0.00002; TOPMed 0.00004.
gnomAD v4.1: 95 of 1,613,030 alleles (0.0059%); highest among the groups gnomAD compares: Non-Finnish European, 0.0075%; no homozygotes.

Submissions (5):

Labcorp Genetics (formerly Invitae), Labcorp
Classification: Likely benign for Marfan syndrome; Familial thoracic aortic aneurysm and aortic dissection. Last evaluated: 2025-11-15. Review status: criteria provided, single submitter. Criteria: Invitae Variant Classification Sherloc (09022015). Collection method: clinical testing. Allele origin: germline.

Women's Health and Genetics/Laboratory Corporation of America, LabCorp
Classification: Likely benign. Last evaluated: 2024-12-12. Review status: criteria provided, single submitter. Criteria: LabCorp Variant Classification Summary - May 2015. Collection method: clinical testing. Allele origin: germline.

All of Us Research Program, National Institutes of Health
Classification: Likely benign for Marfan syndrome. Last evaluated: 2023-12-13. Review status: criteria provided, single submitter. Criteria: ACMG Guidelines, 2015. Collection method: clinical testing. Allele origin: germline. Inheritance: Autosomal dominant inheritance. Observed: 11 variant alleles, 11 heterozygotes.
Comment: This study involves interpretation of variants in research participants for the purpose of population health screening. Participant phenotype was not available at the time of variant classification. Additional details can be found in publication PMID: 35346344, PMCID: PMC8962531

GeneDx
Classification: Likely benign. Last evaluated: 2021-03-02. Review status: criteria provided, single submitter. Criteria: GeneDx Variant Classification Process June 2021. Collection method: clinical testing. Allele origin: germline. Affected: yes.

Color Diagnostics, LLC DBA Color Health
Classification: Likely benign for Familial thoracic aortic aneurysm and aortic dissection. Last evaluated: 2018-11-09. Review status: criteria provided, single submitter. Criteria: ACMG Guidelines, 2015. Collection method: clinical testing. Allele origin: germline.